The following is an entry in ClinVar:

NM_001080453.3(INTS1):c.3019GAG[1] (p.Glu1008del)

Gene: INTS1 (integrator complex subunit 1; minus strand). Cytogenetic location: 7p22.3.
Variant type: Microsatellite.
Coding change: c.3019GAG[1] on transcript NM_001080453.3 (MANE Select); one copy of the 3-base unit GAG starting at c.3019; the reference has two copies in a row; one copy, 3 bases deleted.
Protein change: p.Glu1008del; deletes glutamic acid 1008.
Molecular consequence: inframe deletion.
Genome position (GRCh38, 1-based): chr7:1,485,422-1,485,424, CTC deleted on the plus strand (GAG on the coding strand, the reverse complement: INTS1 is on the minus strand); deleting any 3 consecutive bases within chr7:1,485,422-1,485,428 gives the same sequence; the position shown is the placement nearest the transcript's 3' end. VCF-style (leftmost placement, unchanged base first): chr7-1485421-TCTC-T. GRCh37 (hg19) VCF-style: chr7-1525057-TCTC-T.
Other names: short protein forms E1008del.
Identifiers: ClinVar variation 810053 (VCV000810053.43), dbSNP rs552723932, ClinGen allele CA4119499.

ClinVar aggregate classification (germline): Conflicting classifications of pathogenicity. Review status: criteria provided, conflicting classifications (1 of 4 stars). 2 submissions from 2 submitters: Uncertain significance (1); Likely benign (1). Last evaluated 2026-09-01.

Submissions (2):

CeGaT Center for Human Genetics Tuebingen
Classification: Likely benign. Last evaluated: 2026-09-01. Review status: criteria provided, single submitter. Criteria: CeGaT Center For Human Genetics Tuebingen Variant Classification Criteria Version 2. Collection method: clinical testing. Allele origin: germline. Affected: yes. Observed: 7 variant alleles.
Comment: INTS1: PM4:Supporting, BS2

Breakthrough Genomics
Classification: Uncertain significance. Review status: criteria provided, single submitter. Criteria: ACMG Guidelines, 2015. Collection method: not provided. Allele origin: germline. Inheritance: Autosomal recessive inheritance. Affected: yes.